The following is an entry in ClinVar:

NM_003239.5(TGFB3):c.990G>A (p.Trp330Ter)

Gene: TGFB3 (transforming growth factor beta 3; minus strand). Cytogenetic location: 14q24.3.
Variant type: single nucleotide variant.
Coding change: c.990G>A on transcript NM_003239.5 (MANE Select); coding-DNA position 990, G replaced by A.
Protein change: p.Trp330Ter; replaces tryptophan 330 with a stop codon.
Molecular consequence: nonsense.
Genome position (GRCh38, 1-based): chr14:75,961,013, C>T on the plus strand (G>A on the coding strand, the complement: TGFB3 is on the minus strand). VCF-style: chr14-75961013-C-T. GRCh37 (hg19) VCF-style: chr14-76427356-C-T.
Other names: c.990G>A, p.Trp330Ter (NM_001329939.2); short protein forms W330*.
Identifiers: ClinVar variation 1072149 (VCV001072149.47), dbSNP rs2140236217, ClinGen allele CA390467968.

ClinVar aggregate classification (germline): Pathogenic (1 of 4 stars; one submission).

Conditions:
Rienhoff syndrome. Also called: LOEYS-DIETZ SYNDROME 5. Identifiers: MedGen C3810012, MONDO:0014262, OMIM 615582.

Submission:

Labcorp Genetics (formerly Invitae), Labcorp
Classification: Pathogenic for Rienhoff syndrome. Last evaluated: 2020-04-02. Review status: criteria provided, single submitter. Criteria: Invitae Variant Classification Sherloc (09022015). Collection method: clinical testing. Allele origin: germline.
Comment: For these reasons, this variant has been classified as Pathogenic. Loss-of-function variants in TGFB3 are known to be pathogenic (PMID: 25835445, 26188975). This variant has not been reported in the literature in individuals with TGFB3-related conditions. This variant is not present in population databases (ExAC no frequency). This sequence change creates a premature translational stop signal (p.Trp330*) in the TGFB3 gene. It is expected to result in an absent or disrupted protein product.

Literature cited by the submitters: PubMed 25835445; PubMed 26188975.